The following is an entry in ClinVar:

ClinVar aggregate classification (germline): Benign/Likely benign. Review status: criteria provided, multiple submitters, no conflicts (2 of 4 stars). 4 submissions from 4 submitters: Benign (1); Likely benign (2). 1 of the submissions does not count toward it. Last evaluated 2025-01-09.

Conditions:
PIEZO1-related disorder. Also called: PIEZO1-related condition; PIEZO1-Related Disorders.

Allele frequency attached by ClinVar (database versions not stated): gnomAD 0.00009 and 0.00010; TOPMed 0.00011; gnomAD exomes 0.00027; ExAC 0.00035.
gnomAD v4.1: 187 of 1,549,304 alleles (0.012%); highest among the groups gnomAD compares: Admixed American, 0.018%; no homozygotes.

Submissions (4):

Mayo Clinic Laboratories, Mayo Clinic
Classification: Likely benign. Last evaluated: 2025-01-09. Review status: criteria provided, single submitter. Criteria: ACMG Guidelines, 2015. Collection method: clinical testing. Allele origin: germline. Observed: 2 variant alleles.
Comment: BP4, BP7, PM2_moderate

CeGaT Center for Human Genetics Tuebingen
Classification: Likely benign. Last evaluated: 2024-03-01. Review status: criteria provided, single submitter. Criteria: CeGaT Center For Human Genetics Tuebingen Variant Classification Criteria Version 2. Collection method: clinical testing. Allele origin: germline. Affected: yes. Observed: 1 variant allele.
Comment: PIEZO1: BP4

Labcorp Genetics (formerly Invitae), Labcorp
Classification: Benign. Last evaluated: 2023-12-22. Review status: criteria provided, single submitter. Criteria: Invitae Variant Classification Sherloc (09022015). Collection method: clinical testing. Allele origin: germline.

PreventionGenetics, part of Exact Sciences
Classification: Likely benign for PIEZO1-related condition. Last evaluated: 2019-03-27. Review status: no assertion criteria provided. Collection method: clinical testing. Allele origin: germline. Not counted in ClinVar's aggregate classification.
Comment: This variant is classified as likely benign based on ACMG/AMP sequence variant interpretation guidelines (Richards et al. 2015 PMID: 25741868, with internal and published modifications).

NM_001142864.4(PIEZO1):c.4439-8G>T

Gene: PIEZO1 (piezo type mechanosensitive ion channel component 1 (Er blood group); minus strand). Cytogenetic location: 16q24.3.
Variant type: single nucleotide variant.
Coding change: c.4439-8G>T on transcript NM_001142864.4 (MANE Select); 8 bases into the intron before coding-DNA position 4439, G replaced by T.
Molecular consequence: intron variant.
Genome position (GRCh38, 1-based): chr16:88,723,159, C>A on the plus strand (G>T on the coding strand, the complement: PIEZO1 is on the minus strand). VCF-style: chr16-88723159-C-A. GRCh37 (hg19) VCF-style: chr16-88789567-C-A.
Other names: p.?.
Identifiers: ClinVar variation 782020 (VCV000782020.31), dbSNP rs777304709, ClinGen allele CA8232140.